The following is an entry in ClinVar:

ClinVar aggregate classification (germline): Uncertain significance (1 of 4 stars; one submission).

Conditions:
Inborn genetic diseases. Identifiers: MedGen C0950123, MeSH D030342.

Submission:

Ambry Genetics
Classification: Uncertain significance for Inborn genetic diseases. Last evaluated: 2026-09-11. Review status: criteria provided, single submitter. Criteria: Ambry Variant Classification Scheme 2023. Collection method: clinical testing. Allele origin: germline.
Comment: The p.E213D variant (also known as c.639G>T), located in coding exon 6 of the BUB1B gene, results from a G to T substitution at nucleotide position 639. The glutamic acid at codon 213 is replaced by aspartic acid, an amino acid with highly similar properties. This amino acid position is conserved. In addition, this alteration is predicted to be tolerated by in silico analysis. Based on the available evidence, the clinical significance of this variant remains unclear.

NM_001211.6(BUB1B):c.639G>T (p.Glu213Asp)

Gene: BUB1B (BUB1 mitotic checkpoint serine/threonine kinase B; plus strand). Cytogenetic location: 15q15.1.
Variant type: single nucleotide variant.
Coding change: c.639G>T on transcript NM_001211.6 (MANE Select); coding-DNA position 639, G replaced by T.
Protein change: p.Glu213Asp; replaces glutamic acid 213 with aspartic acid.
Molecular consequence: missense variant.
Genome position (GRCh38, 1-based): chr15:40,183,771, G>T. VCF-style: chr15-40183771-G-T. GRCh37 (hg19) VCF-style: chr15-40475972-G-T.
Other names: short protein forms E213D.
Identifiers: ClinVar variation 5033552 (VCV005033552.1).